The following is an entry in ClinVar:

ClinVar aggregate classification (germline): Likely benign. Review status: criteria provided, multiple submitters, no conflicts (2 of 4 stars). 2 submissions from 2 submitters: Likely benign (2). Last evaluated 2026-01-17.

Conditions:
ANKH-related disorder. Also called: ANKH-Related Disorders; ANKH-related condition.

Allele frequency attached by ClinVar (database versions not stated): gnomAD exomes 0.00001 and 0.00004; ExAC 0.00006; ESP Exome Variant Server 0.00008; TOPMed 0.00013; gnomAD 0.00015 and 0.00016.
gnomAD v4.1: 37 of 1,614,116 alleles (0.0023%); highest among the groups gnomAD compares: African/African-American, 0.041%; no homozygotes.

Submissions (2):

Labcorp Genetics (formerly Invitae), Labcorp
Classification: Likely benign. Last evaluated: 2026-01-17. Review status: criteria provided, single submitter. Criteria: Invitae Variant Classification Sherloc (09022015). Collection method: clinical testing. Allele origin: germline.

PreventionGenetics, part of Exact Sciences
Classification: Likely benign for ANKH-related condition. Last evaluated: 2025-09-10. Review status: criteria provided, single submitter. Criteria: ACMG Guidelines, 2015. Collection method: clinical testing. Allele origin: germline.
Comment: This variant is classified as likely benign based on ACMG/AMP sequence variant interpretation guidelines (Richards et al. 2015 PMID: 25741868, with internal and published modifications).

NM_054027.6(ANKH):c.255A>G (p.Lys85=)

Gene: ANKH (ANKH inorganic pyrophosphate transport regulator; minus strand). Cytogenetic location: 5p15.2.
Variant type: single nucleotide variant.
Coding change: c.255A>G on transcript NM_054027.6 (MANE Select); coding-DNA position 255, A replaced by G.
Protein change: p.Lys85=; no amino-acid change (lysine 85 retained).
Molecular consequence: synonymous variant.
Genome position (GRCh38, 1-based): chr5:14,769,033, T>C on the plus strand (A>G on the coding strand, the complement: ANKH is on the minus strand). VCF-style: chr5-14769033-T-C. GRCh37 (hg19) VCF-style: chr5-14769142-T-C.
Other names: c.255A>G (NM_054027.4).
Identifiers: ClinVar variation 1111062 (VCV001111062.11), dbSNP rs138113627, ClinGen allele CA3209186.